The following is an entry in ClinVar:

NM_001258038.2(SPRY1):c.109G>A (p.Ala37Thr)

Gene: SPRY1 (sprouty RTK signaling antagonist 1; plus strand). Cytogenetic location: 4q28.1.
Variant type: single nucleotide variant.
Coding change: c.109G>A on transcript NM_001258038.2 (MANE Select); coding-DNA position 109, G replaced by A.
Protein change: p.Ala37Thr; replaces alanine 37 with threonine.
Molecular consequence: missense variant.
Genome position (GRCh38, 1-based): chr4:123,401,700, G>A. VCF-style: chr4-123401700-G-A. GRCh37 (hg19) VCF-style: chr4-124322855-G-A.
Other names: c.109G>A, p.Ala37Thr (NM_001258039.1, NM_001375410.1, NM_005841.3 and 1 more transcripts); short protein forms A37T.
Identifiers: ClinVar variation 3037843 (VCV003037843.2), dbSNP rs115106991, ClinGen allele CA3070827.

ClinVar aggregate classification (germline): Likely benign (0 of 4 stars; one submission).

Conditions:
SPRY1-related disorder. Also called: SPRY1-related condition.

Allele frequency attached by ClinVar (database versions not stated): gnomAD exomes 0.00018; ExAC 0.00068; gnomAD 0.00215; TOPMed 0.00236; 1000 Genomes Project 0.00260; ESP Exome Variant Server 0.00261; 1000 Genomes Project 30x 0.00297.

Submission:

PreventionGenetics, part of Exact Sciences
Classification: Likely benign for SPRY1-related condition. Last evaluated: 2019-03-01. Review status: no assertion criteria provided. Collection method: clinical testing. Allele origin: germline.
Comment: This variant is classified as likely benign based on ACMG/AMP sequence variant interpretation guidelines (Richards et al. 2015 PMID: 25741868, with internal and published modifications).